The following is an entry in ClinVar:

NM_001481.3(DRC4):c.1172C>T (p.Ala391Val)

Gene: DRC4 (dynein regulatory complex subunit 4; plus strand). Cytogenetic location: 16q24.3.
Variant type: single nucleotide variant.
Coding change: c.1172C>T on transcript NM_001481.3 (MANE Select); coding-DNA position 1172, C replaced by T.
Protein change: p.Ala391Val; replaces alanine 391 with valine.
Molecular consequence: missense variant.
Genome position (GRCh38, 1-based): chr16:90,040,460, C>T. VCF-style: chr16-90040460-C-T. GRCh37 (hg19) VCF-style: chr16-90106868-C-T.
Other names: c.923C>T, p.Ala308Val (NM_001286205.2); c.596C>T, p.Ala199Val (NM_001286208.2); c.1097C>T, p.Ala366Val (NM_001286209.2); short protein forms A366V, A391V, A199V, A308V.
Identifiers: ClinVar variation 2042672 (VCV002042672.3), dbSNP rs147993982, ClinGen allele CA8258122.

ClinVar aggregate classification (germline): Uncertain significance (1 of 4 stars; one submission).

Conditions:
Primary ciliary dyskinesia 33. Also called: CILIARY DYSKINESIA, PRIMARY, 33, WITHOUT SITUS INVERSUS. Identifiers: Orphanet 244, MedGen C4225230, MONDO:0014750, OMIM 616726.

Allele frequency attached by ClinVar (database versions not stated): gnomAD 0.00001; TOPMed 0.00002; gnomAD exomes 0.00003; ExAC 0.00004; ESP Exome Variant Server 0.00008.
gnomAD v4.1: 43 of 1,610,194 alleles (0.0027%); highest among the groups gnomAD compares: Middle Eastern, 0.037%; no homozygotes.

Submission:

Labcorp Genetics (formerly Invitae), Labcorp
Classification: Uncertain significance for Primary ciliary dyskinesia 33. Last evaluated: 2024-06-02. Review status: criteria provided, single submitter. Criteria: Invitae Variant Classification Sherloc (09022015). Collection method: clinical testing. Allele origin: germline.
Comment: This sequence change replaces alanine, which is neutral and non-polar, with valine, which is neutral and non-polar, at codon 391 of the GAS8 protein (p.Ala391Val). This variant is present in population databases (rs147993982, gnomAD 0.01%). This missense change has been observed in individual(s) with clinical features of primary ciliary dyskinesia (PMID: 27472056). ClinVar contains an entry for this variant (Variation ID: 2042672). Advanced modeling of protein sequence and biophysical properties (such as structural, functional, and spatial information, amino acid conservation, physicochemical variation, residue mobility, and thermodynamic stability) performed at Invitae indicates that this missense variant is not expected to disrupt GAS8 protein function with a negative predictive value of 80%. Experimental studies have shown that this missense change affects GAS8 function (PMID: 27472056). In summary, the available evidence is currently insufficient to determine the role of this variant in disease. Therefore, it has been classified as a Variant of Uncertain Significance.

Literature cited by the submitters: PubMed 27472056.